The following is an entry in ClinVar:

NM_000393.5(COL5A2):c.2786C>A (p.Ala929Glu)

Gene: COL5A2 (collagen type V alpha 2 chain; minus strand). Cytogenetic location: 2q32.2.
Variant type: single nucleotide variant.
Coding change: c.2786C>A on transcript NM_000393.5 (MANE Select); coding-DNA position 2786, C replaced by A.
Protein change: p.Ala929Glu; replaces alanine 929 with glutamic acid.
Molecular consequence: missense variant.
Genome position (GRCh38, 1-based): chr2:189,051,465, G>T on the plus strand (C>A on the coding strand, the complement: COL5A2 is on the minus strand). VCF-style: chr2-189051465-G-T. GRCh37 (hg19) VCF-style: chr2-189916191-G-T.
Other names: short protein forms A929E.
Identifiers: ClinVar variation 842469 (VCV000842469.11), dbSNP rs747843876, ClinGen allele CA349868387.
Genomic context (GRCh38, chr2:189,051,465, plus strand): 5'-GAGCCAGGGTCCCCACGAAGACCTGGAGGTCCCTCCTTCCCGGGTTCCCCTAGGGGTCCC[G>T]CAGGTCCTGGAGCTCCCTAGTATAACAAAGAAAGAAACACCAAGGAGGGCAAAATGGAAG-3'
Protein context (NP_000384.2, residues 919-939): PPGPAGAPGP[Ala929Glu]GPLGEPGKEG

ClinVar aggregate classification (germline): Uncertain significance (1 of 4 stars; one submission).

Conditions:
Ehlers-Danlos syndrome, classic type, 1 (EDSCL1). Also called: Ehlers-Danlos syndrome, type 1; Ehlers-Danlos Syndrome, Classic Type, COL5A1-Related; EDS I; EHLERS-DANLOS SYNDROME, GRAVIS TYPE; EHLERS-DANLOS SYNDROME, SEVERE CLASSIC TYPE. Identifiers: MedGen C0268335, MONDO:0019567, OMIM 130000.

gnomAD v4.1: 1 of 1,608,986 alleles (0.000062%); highest among the groups gnomAD compares: Admixed American, 0.0017%; no homozygotes.

Submission:

Labcorp Genetics (formerly Invitae), Labcorp
Classification: Uncertain significance for Ehlers-Danlos syndrome, classic type, 1. Last evaluated: 2019-12-31. Review status: criteria provided, single submitter. Criteria: Invitae Variant Classification Sherloc (09022015). Collection method: clinical testing. Allele origin: germline.
Comment: In summary, the available evidence is currently insufficient to determine the role of this variant in disease. Therefore, it has been classified as a Variant of Uncertain Significance. This variant has not been reported in the literature in individuals with COL5A2-related conditions. This variant is not present in population databases (ExAC no frequency). This sequence change replaces alanine with glutamic acid at codon 929 of the COL5A2 protein (p.Ala929Glu). The alanine residue is highly conserved and there is a moderate physicochemical difference between alanine and glutamic acid.